The following is an entry in ClinVar:

ClinVar aggregate classification (germline): Uncertain significance (1 of 4 stars; one submission).

Submission:

Ambry Genetics
Classification: Uncertain significance. Last evaluated: 2023-02-24. Review status: criteria provided, single submitter. Criteria: Ambry Variant Classification Scheme 2023. Collection method: clinical testing. Allele origin: germline.
Comment: The p.A2094T variant (also known as c.6280G>A), located in coding exon 11 of the ALPK2 gene, results from a G to A substitution at nucleotide position 6280. The alanine at codon 2094 is replaced by threonine, an amino acid with similar properties. This amino acid position is conserved. In addition, this alteration is predicted to be tolerated by in silico analysis. Since supporting evidence is limited at this time, the clinical significance of this alteration remains unclear.

NM_052947.4(ALPK2):c.6280G>A (p.Ala2094Thr)

Gene: ALPK2 (alpha kinase 2; minus strand). Cytogenetic location: 18q21.31.
Variant type: single nucleotide variant.
Coding change: c.6280G>A on transcript NM_052947.4 (MANE Select); coding-DNA position 6280, G replaced by A.
Protein change: p.Ala2094Thr; replaces alanine 2094 with threonine.
Molecular consequence: missense variant.
Genome position (GRCh38, 1-based): chr18:58,498,065, C>T on the plus strand (G>A on the coding strand, the complement: ALPK2 is on the minus strand). VCF-style: chr18-58498065-C-T. GRCh37 (hg19) VCF-style: chr18-56165297-C-T.
Other names: short protein forms A2094T.
Identifiers: ClinVar variation 2450594 (VCV002450594.2), dbSNP rs2518851770, ClinGen allele CA402541896.